The following is an entry in ClinVar:

NM_018089.3(ANKZF1):c.271T>C (p.Tyr91His)

Gene: ANKZF1 (ankyrin repeat and zinc finger peptidyl tRNA hydrolase 1; plus strand). Cytogenetic location: 2q35.
Variant type: single nucleotide variant.
Coding change: c.271T>C on transcript NM_018089.3 (MANE Select); coding-DNA position 271, T replaced by C.
Protein change: p.Tyr91His; replaces tyrosine 91 with histidine.
Molecular consequence: missense variant. On other transcripts: intron variant (1).
Genome position (GRCh38, 1-based): chr2:219,232,269, T>C. VCF-style: chr2-219232269-T-C. GRCh37 (hg19) VCF-style: chr2-220096991-T-C.
Other names: c.271T>C, p.Tyr91His (NM_001042410.2); c.-266-221T>C (NM_001282792.2); short protein forms Y91H.
Identifiers: ClinVar variation 1388418 (VCV001388418.8), dbSNP rs576619621, ClinGen allele CA2120697.
Genomic context (GRCh38, chr2:219,232,269, plus strand): 5'-CCAGGCTGGGGCATATTTCCACCTTTATCTCACTCTTTGTCTTTGTACTAGAGGGAACAT[T>C]ATAAGCTTGACTGGCATCGGTTTAACCTAAAGCAACGTCTCAAGGACAAGCCTCTCCTGT-3'
Protein context (NP_060559.2, residues 81-101): FQNHQEQREH[Tyr91His]KLDWHRFNLK

ClinVar aggregate classification (germline): Uncertain significance (1 of 4 stars; one submission).

Allele frequency attached by ClinVar (database versions not stated): gnomAD 0.00003; gnomAD exomes 0.00003 and 0.00005; ExAC 0.00007; 1000 Genomes Project 30x 0.00047; 1000 Genomes Project 0.00060.
gnomAD v4.1: 46 of 1,614,150 alleles (0.0028%); highest among the groups gnomAD compares: South Asian, 0.045%; 1 homozygote.

Submission:

Labcorp Genetics (formerly Invitae), Labcorp
Classification: Uncertain significance. Last evaluated: 2025-03-22. Review status: criteria provided, single submitter. Criteria: Invitae Variant Classification Sherloc (09022015). Collection method: clinical testing. Allele origin: germline.
Comment: This sequence change replaces tyrosine, which is neutral and polar, with histidine, which is basic and polar, at codon 91 of the ANKZF1 protein (p.Tyr91His). This variant is present in population databases (rs576619621, gnomAD 0.04%). This variant has not been reported in the literature in individuals affected with ANKZF1-related conditions. ClinVar contains an entry for this variant (Variation ID: 1388418). An algorithm developed to predict the effect of missense changes on protein structure and function (PolyPhen-2) suggests that this variant is likely to be disruptive. In summary, the available evidence is currently insufficient to determine the role of this variant in disease. Therefore, it has been classified as a Variant of Uncertain Significance.